The following is an entry in ClinVar:

NM_001042492.3(NF1):c.5609+19T>A

Gene: NF1 (neurofibromin 1; plus strand). Cytogenetic location: 17q11.2.
Variant type: single nucleotide variant.
Coding change: c.5609+19T>A on transcript NM_001042492.3 (MANE Select); 19 bases into the intron after coding-DNA position 5609, T replaced by A.
Molecular consequence: intron variant.
Genome position (GRCh38, 1-based): chr17:31,327,858, T>A. VCF-style: chr17-31327858-T-A. GRCh37 (hg19) VCF-style: chr17-29654876-T-A.
Other names: c.5546+19T>A (NM_000267.4).
Identifiers: ClinVar variation 257294 (VCV000257294.40), dbSNP rs2285894, ClinGen allele CA8487195.

ClinVar aggregate classification (germline): Benign. Review status: criteria provided, multiple submitters, no conflicts (2 of 4 stars). 14 submissions from 13 submitters: Benign (11). 3 of the submissions do not count toward it. Last evaluated 2026-02-04.

Conditions:
Neurofibromatosis, familial spinal (FSNF). Identifiers: Orphanet 636, MedGen C1834235, MONDO:0008078, OMIM 162210. Disease mechanism: loss of function.
Neurofibromatosis, type 1 (NF1). Also called: VON RECKLINGHAUSEN DISEASE; NEUROFIBROMATOSIS, TYPE I, SOMATIC; Peripheral type neurofibromatosis; Neurofibromatosis, type I. Identifiers: Orphanet 636, MedGen C0027831, MONDO:0018975, OMIM 162200. Disease mechanism: loss of function.

Allele frequency attached by ClinVar (database versions not stated): 1000 Genomes Project 0.43191; TOPMed 0.47970; gnomAD 0.49901 and 0.50025; ESP Exome Variant Server 0.51622; gnomAD exomes 0.53515 and 0.59007; ExAC 0.53638; 1000 Genomes Project 30x 0.42676.
gnomAD v4.1: 932,984 of 1,605,644 alleles (58%); highest among the groups gnomAD compares: Middle Eastern, 63%; 278,086 homozygotes.

Submissions (14):

Labcorp Genetics (formerly Invitae), Labcorp
Classification: Benign for Neurofibromatosis, type 1. Last evaluated: 2026-02-04. Review status: criteria provided, single submitter. Criteria: Invitae Variant Classification Sherloc (09022015). Collection method: clinical testing. Allele origin: germline.

ARUP Laboratories, Molecular Genetics and Genomics, ARUP Laboratories
Classification: Benign. Last evaluated: 2025-07-31. Review status: criteria provided, single submitter. Criteria: ARUP Molecular Germline Variant Investigation Process 2024. Collection method: clinical testing. Allele origin: germline.

KCCC/NGS Laboratory, Kuwait Cancer Control Center
Classification: Benign for Neurofibromatosis, type 1. Last evaluated: 2025-02-01. Review status: criteria provided, single submitter. Criteria: ACMG Guidelines, 2015. Collection method: clinical testing. Allele origin: germline. Affected: no.

Blueprint Genetics
Classification: Benign. Last evaluated: 2024-11-28. Review status: criteria provided, single submitter. Criteria: ACMG Guidelines, 2015. Collection method: clinical testing. Allele origin: germline.

KCCC/NGS Laboratory, Kuwait Cancer Control Center
Classification: Benign for Neurofibromatosis, familial spinal. Last evaluated: 2023-07-07. Review status: criteria provided, single submitter. Criteria: ACMG Guidelines, 2015. Collection method: clinical testing. Allele origin: germline. Affected: yes.

Genome-Nilou Lab
Classification: Benign for Neurofibromatosis, type 1. Last evaluated: 2021-09-05. Review status: criteria provided, single submitter. Criteria: ACMG Guidelines, 2015. Collection method: clinical testing. Allele origin: germline. Affected: no.

Women's Health and Genetics/Laboratory Corporation of America, LabCorp
Classification: Benign. Last evaluated: 2016-05-12. Review status: criteria provided, single submitter. Criteria: LabCorp Variant Classification Summary - May 2015. Collection method: clinical testing. Allele origin: germline.
Comment: Variant summary: The NF1 c.5546+19T>A variant involves the alteration of a non-conserved intronic nucleotide with 5/5 splice prediction tools calculating no significant effect on splicing, although these predictions have yet to be functionally assessed. The variant of interest was observed in the large, broad control population, ExAC, with an allele frequency of 64462/120180 (18196 homozygotes, frequency: 0.5363788), which suggests that the variant of interest is the major allele (most common allele observed in the general population. Therefore, the variant of interest is classified as Benign.

Laboratory for Molecular Medicine, Mass General Brigham Personalized Medicine
Classification: Benign. Last evaluated: 2016-04-25. Review status: criteria provided, single submitter. Criteria: LMM Criteria. Collection method: clinical testing. Allele origin: germline.
Comment: Variant identified in a genome or exome case(s) and assessed due to predicted null impact of the variant or pathogenic assertions in the literature or databases. Disclaimer: This variant has not undergone full assessment. The following are preliminary notes: Frequency

GeneDx
Classification: Benign. Last evaluated: 2015-12-18. Review status: criteria provided, single submitter. Criteria: GeneDx Variant Classification (06012015). Collection method: clinical testing. Allele origin: germline. Affected: yes.
Comment: This variant is considered likely benign or benign based on one or more of the following criteria: it is a conservative change, it occurs at a poorly conserved position in the protein, it is predicted to be benign by multiple in silico algorithms, and/or has population frequency not consistent with disease.

Breakthrough Genomics
Classification: Benign. Review status: criteria provided, single submitter. Criteria: ACMG Guidelines, 2015. Collection method: not provided. Allele origin: germline. Inheritance: Autosomal dominant inheritance. Affected: yes.

PreventionGenetics, part of Exact Sciences
Classification: Benign. Review status: criteria provided, single submitter. Criteria: ACMG Guidelines, 2015. Collection method: clinical testing. Allele origin: germline.

Clinical Genetics DNA and cytogenetics Diagnostics Lab, Erasmus MC, Erasmus Medical Center
Classification: Benign. Review status: no assertion criteria provided. Collection method: clinical testing. Allele origin: germline. Affected: yes. Study: VKGL Data-share Consensus. Not counted in ClinVar's aggregate classification.

Diagnostic Laboratory, Department of Genetics, University Medical Center Groningen
Classification: Benign. Review status: no assertion criteria provided. Collection method: clinical testing. Allele origin: germline. Affected: yes. Study: VKGL Data-share Consensus. Not counted in ClinVar's aggregate classification.

Joint Genome Diagnostic Labs from Nijmegen and Maastricht, Radboudumc and MUMC+
Classification: Benign. Review status: no assertion criteria provided. Collection method: clinical testing. Allele origin: germline. Affected: yes. Study: VKGL Data-share Consensus. Not counted in ClinVar's aggregate classification.